The following is an entry in ClinVar:

ClinVar aggregate classification (germline): Uncertain significance. Review status: criteria provided, multiple submitters, no conflicts (2 of 4 stars). 3 submissions from 3 submitters: Uncertain significance (3). Last evaluated 2026-05-26.

Conditions:
Congenital adrenal hyperplasia due to cytochrome P450 oxidoreductase deficiency. Also called: DISORDERED STEROIDOGENESIS DUE TO POR DEFICIENCY. Identifiers: Orphanet 95699, MedGen C1860042, MONDO:0013310, OMIM 613571.
POR-related disorder. Also called: POR-related condition.

Allele frequency attached by ClinVar (database versions not stated): gnomAD exomes 0.00003; gnomAD 0.00004 and 0.00005; TOPMed 0.00005; ExAC 0.00008; 1000 Genomes Project 30x 0.00016.
gnomAD v4.1: 208 of 1,587,788 alleles (0.013%); highest among the groups gnomAD compares: Non-Finnish European, 0.016%; no homozygotes.

Submissions (3):

PreventionGenetics, part of Exact Sciences
Classification: Uncertain significance for POR-related condition. Last evaluated: 2026-05-26. Review status: criteria provided, single submitter. Criteria: ACMG Guidelines, 2015. Collection method: clinical testing. Allele origin: germline.
Comment: The POR c.1711C>T variant is predicted to result in the amino acid substitution p.Arg571Cys. To our knowledge, this variant has not been reported in the literature. This variant is reported in 0.0067% of alleles in individuals of European (Non-Finnish) descent in gnomAD. At this time, the clinical significance of this variant is uncertain due to the absence of conclusive functional and genetic evidence.

GeneDx
Classification: Uncertain significance. Last evaluated: 2024-09-19. Review status: criteria provided, single submitter. Criteria: GeneDx Variant Classification Process June 2021. Collection method: clinical testing. Allele origin: germline. Affected: yes.
Comment: In silico analysis supports that this missense variant has a deleterious effect on protein structure/function; Has not been previously published as pathogenic or benign to our knowledge

Labcorp Genetics (formerly Invitae), Labcorp
Classification: Uncertain significance for Congenital adrenal hyperplasia due to cytochrome P450 oxidoreductase deficiency. Last evaluated: 2022-08-23. Review status: criteria provided, single submitter. Criteria: Invitae Variant Classification Sherloc (09022015). Collection method: clinical testing. Allele origin: germline.
Comment: This sequence change replaces arginine, which is basic and polar, with cysteine, which is neutral and slightly polar, at codon 571 of the POR protein (p.Arg571Cys). The frequency data for this variant in the population databases is considered unreliable, as metrics indicate poor data quality at this position in the gnomAD database. This variant has not been reported in the literature in individuals affected with POR-related conditions. ClinVar contains an entry for this variant (Variation ID: 1461816). Algorithms developed to predict the effect of missense changes on protein structure and function are either unavailable or do not agree on the potential impact of this missense change (SIFT: "Deleterious"; PolyPhen-2: "Benign"; Align-GVGD: "Class C0"). In summary, the available evidence is currently insufficient to determine the role of this variant in disease. Therefore, it has been classified as a Variant of Uncertain Significance.

NM_001395413.1(POR):c.1702C>T (p.Arg568Cys)

Gene: POR (cytochrome p450 oxidoreductase; plus strand). Cytogenetic location: 7q11.23.
Variant type: single nucleotide variant.
Coding change: c.1702C>T on transcript NM_001395413.1 (MANE Select); coding-DNA position 1702, C replaced by T.
Protein change: p.Arg568Cys; replaces arginine 568 with cysteine.
Molecular consequence: missense variant.
Genome position (GRCh38, 1-based): chr7:75,985,964, C>T. VCF-style: chr7-75985964-C-T. GRCh37 (hg19) VCF-style: chr7-75615282-C-T.
Other names: c.1711C>T (NM_000941.2); c.1702C>T, p.Arg568Cys (NM_001367562.3, NM_001382657.2, NM_001382658.3 and 1 more transcripts); c.1756C>T, p.Arg586Cys (NM_001382655.3); c.1552C>T, p.Arg518Cys (NM_001382662.3); short protein forms R518C, R568C, R586C.
Identifiers: ClinVar variation 1461816 (VCV001461816.6), dbSNP rs782247167, ClinGen allele CA4304258.